The following is an entry in ClinVar:

NM_203447.4(DOCK8):c.5641G>A (p.Val1881Ile)

Gene: DOCK8 (dedicator of cytokinesis 8; plus strand). Cytogenetic location: 9p24.3.
Variant type: single nucleotide variant.
Coding change: c.5641G>A on transcript NM_203447.4 (MANE Select); coding-DNA position 5641, G replaced by A.
Protein change: p.Val1881Ile; replaces valine 1881 with isoleucine.
Molecular consequence: missense variant.
Genome position (GRCh38, 1-based): chr9:446,430, G>A. VCF-style: chr9-446430-G-A. GRCh37 (hg19) VCF-style: chr9-446430-G-A.
Other names: c.5341G>A, p.Val1781Ile (NM_001190458.2); c.5437G>A, p.Val1813Ile (NM_001193536.2); short protein forms V1781I, V1813I, V1881I.
Identifiers: ClinVar variation 2134640 (VCV002134640.4), dbSNP rs1167509067, ClinGen allele CA372768899.

ClinVar aggregate classification (germline): Uncertain significance (1 of 4 stars; one submission).

Conditions:
Combined immunodeficiency due to DOCK8 deficiency (HIES2). Also called: DOCK8 Deficiency; HYPER-IgE RECURRENT INFECTION SYNDROME 2, AUTOSOMAL RECESSIVE; HYPER-IgE SYNDROME 2, AUTOSOMAL RECESSIVE, WITH RECURRENT INFECTIONS; HIES autosomal recessive; Hyper-IgE recurrent infection syndrome, autosomal recessive. Identifiers: Orphanet 217390, MedGen C4722305, MONDO:0009478, OMIM 243700.

gnomAD v4.1: 1 of 1,614,202 alleles (0.000062%); highest among the groups gnomAD compares: East Asian, 0.0022%; no homozygotes.

Submission:

Labcorp Genetics (formerly Invitae), Labcorp
Classification: Uncertain significance for Combined immunodeficiency due to DOCK8 deficiency. Last evaluated: 2023-12-11. Review status: criteria provided, single submitter. Criteria: Invitae Variant Classification Sherloc (09022015). Collection method: clinical testing. Allele origin: germline.
Comment: This sequence change replaces valine, which is neutral and non-polar, with isoleucine, which is neutral and non-polar, at codon 1881 of the DOCK8 protein (p.Val1881Ile). This variant is present in population databases (no rsID available, gnomAD 0.006%). This variant has not been reported in the literature in individuals affected with DOCK8-related conditions. ClinVar contains an entry for this variant (Variation ID: 2134640). Advanced modeling of protein sequence and biophysical properties (such as structural, functional, and spatial information, amino acid conservation, physicochemical variation, residue mobility, and thermodynamic stability) performed at Invitae indicates that this missense variant is not expected to disrupt DOCK8 protein function with a negative predictive value of 80%. In summary, the available evidence is currently insufficient to determine the role of this variant in disease. Therefore, it has been classified as a Variant of Uncertain Significance.